The following is an entry in ClinVar:

ClinVar aggregate classification (germline): Pathogenic. Review status: criteria provided, multiple submitters, no conflicts (2 of 4 stars). 2 submissions from 2 submitters: Pathogenic (2). Last evaluated 2025-06-10.

Conditions:
Neurometabolic disorder due to serine deficiency. Identifiers: Orphanet 35705, MedGen C5680148, MONDO:0018162.
PHGDH deficiency. Identifiers: Orphanet 79351, MedGen C1866174, MONDO:0011152, OMIM 601815.

Allele frequency attached by ClinVar (database versions not stated): gnomAD exomes below 0.00001.

Submissions (2):

Myriad Genetics, Inc.
Classification: Pathogenic for Neurometabolic disorder due to serine deficiency. Last evaluated: 2025-06-10. Review status: criteria provided, single submitter. Criteria: Myriad Autosomal Dominant, Autosomal Recessive and X-Linked Classification Criteria (2023). Collection method: clinical testing. Allele origin: unknown.
Comment: NM_006623.3(PHGDH):c.1186delC(L396Wfs*2) is expected to be pathogenic in the context of serine deficiency disorder, PHGDH-related. This variant is predicted to lead to an abnormal or absent protein product due to the creation of a premature termination codon in PHGDH, a gene where loss-of-function variants are known to be pathogenic. Please note: this variant was assessed in the context of healthy population screening.

Labcorp Genetics (formerly Invitae), Labcorp
Classification: Pathogenic for PHGDH deficiency. Last evaluated: 2020-04-20. Review status: criteria provided, single submitter. Criteria: Invitae Variant Classification Sherloc (09022015). Collection method: clinical testing. Allele origin: germline.
Comment: For these reasons, this variant has been classified as Pathogenic. Loss-of-function variants in PHGDH are known to be pathogenic (PMID: 14645240, 24836451). This variant has not been reported in the literature in individuals with PHGDH-related conditions. This variant is not present in population databases (ExAC no frequency). This sequence change creates a premature translational stop signal (p.Leu396Trpfs*2) in the PHGDH gene. It is expected to result in an absent or disrupted protein product.

Literature cited by the submitters: PubMed 14645240 (cited by Labcorp Genetics (formerly Invitae), Labcorp); PubMed 24836451 (cited by Labcorp Genetics (formerly Invitae), Labcorp).

NM_006623.4(PHGDH):c.1186del (p.Leu396fs)

Gene: PHGDH (phosphoglycerate dehydrogenase; plus strand). Cytogenetic location: 1p12.
Variant type: Deletion.
Coding change: c.1186del on transcript NM_006623.4 (MANE Select); coding-DNA position 1186, one base deleted (C; older notation c.1186delC).
Protein change: p.Leu396fs; shifts the reading frame from leucine 396.
Molecular consequence: frameshift variant.
Genome position (GRCh38, 1-based): chr1:119,741,874, C deleted. VCF-style (leftmost placement, unchanged base first): chr1-119741873-GC-G. GRCh37 (hg19) VCF-style: chr1-120284496-GC-G.
Other names: short protein forms L396fs.
Identifiers: ClinVar variation 1075820 (VCV001075820.8), dbSNP rs1652224758, ClinGen allele CA1192432153.